The following is an entry in ClinVar:

ClinVar aggregate classification (germline): Uncertain significance (1 of 4 stars; one submission).

Submission:

Labcorp Genetics (formerly Invitae), Labcorp
Classification: Uncertain significance. Last evaluated: 2025-05-14. Review status: criteria provided, single submitter. Criteria: Invitae Variant Classification Sherloc (09022015). Collection method: clinical testing. Allele origin: germline.
Comment: This sequence change replaces serine, which is neutral and polar, with phenylalanine, which is neutral and non-polar, at codon 51 of the CLCN7 protein (p.Ser51Phe). This variant is not present in population databases (gnomAD no frequency). This variant has not been reported in the literature in individuals affected with CLCN7-related conditions. Invitae Evidence Modeling of protein sequence and biophysical properties (such as structural, functional, and spatial information, amino acid conservation, physicochemical variation, residue mobility, and thermodynamic stability) indicates that this missense variant is not expected to disrupt CLCN7 protein function with a negative predictive value of 95%. In summary, the available evidence is currently insufficient to determine the role of this variant in disease. Therefore, it has been classified as a Variant of Uncertain Significance.

NM_001287.6(CLCN7):c.152C>T (p.Ser51Phe)

Gene: CLCN7 (Cl-/H+ antiporter 7; minus strand). Cytogenetic location: 16p13.3.
Variant type: single nucleotide variant.
Coding change: c.152C>T on transcript NM_001287.6 (MANE Select); coding-DNA position 152, C replaced by T.
Protein change: p.Ser51Phe; replaces serine 51 with phenylalanine.
Molecular consequence: missense variant. On other transcripts: intron variant (1).
Genome position (GRCh38, 1-based): chr16:1,465,328, G>A on the plus strand (C>T on the coding strand, the complement: CLCN7 is on the minus strand). VCF-style: chr16-1465328-G-A. GRCh37 (hg19) VCF-style: chr16-1515329-G-A.
Other names: c.142-3654C>T (NM_001114331.3); short protein forms S51F.
Identifiers: ClinVar variation 4765181 (VCV004765181.1).